The following is an entry in ClinVar:

NM_173076.3(ABCA12):c.5779-2A>G

Gene: ABCA12 (ATP binding cassette subfamily A member 12; minus strand). Cytogenetic location: 2q35.
Variant type: single nucleotide variant.
Coding change: c.5779-2A>G on transcript NM_173076.3 (MANE Select); the canonical splice acceptor site of the intron before coding-DNA position 5779, A replaced by G.
Molecular consequence: splice acceptor variant.
Genome position (GRCh38, 1-based): chr2:214,966,955, T>C on the plus strand (A>G on the coding strand, the complement: ABCA12 is on the minus strand). VCF-style: chr2-214966955-T-C. GRCh37 (hg19) VCF-style: chr2-215831679-T-C.
Other names: c.4825-2A>G (NM_015657.4).
Identifiers: ClinVar variation 2815594 (VCV002815594.3), dbSNP rs2469191971, ClinGen allele CA350452037.

ClinVar aggregate classification (germline): Likely pathogenic (1 of 4 stars; one submission).

Submission:

Labcorp Genetics (formerly Invitae), Labcorp
Classification: Likely pathogenic. Last evaluated: 2023-05-22. Review status: criteria provided, single submitter. Criteria: Invitae Variant Classification Sherloc (09022015). Collection method: clinical testing. Allele origin: germline.
Comment: In summary, the currently available evidence indicates that the variant is pathogenic, but additional data are needed to prove that conclusively. Therefore, this variant has been classified as Likely Pathogenic. Algorithms developed to predict the effect of sequence changes on RNA splicing suggest that this variant may disrupt the consensus splice site. This variant has not been reported in the literature in individuals affected with ABCA12-related conditions. This variant is not present in population databases (gnomAD no frequency). This sequence change affects an acceptor splice site in intron 38 of the ABCA12 gene. It is expected to disrupt RNA splicing. Variants that disrupt the donor or acceptor splice site typically lead to a loss of protein function (PMID: 16199547), and loss-of-function variants in ABCA12 are known to be pathogenic (PMID: 20672373).

Literature cited by the submitters: PubMed 16199547; PubMed 20672373.